The following is an entry in ClinVar:

ClinVar aggregate classification (germline): Likely benign. Review status: criteria provided, multiple submitters, no conflicts (2 of 4 stars). 2 submissions from 2 submitters: Likely benign (2). Last evaluated 2025-11-17.

Conditions:
Fanconi anemia complementation group J. Also called: BRIP1-Related Fanconi Anemia. Identifiers: Orphanet 84, MedGen C1836860, MONDO:0012187, OMIM 609054.
Familial cancer of breast. Also called: Hereditary breast cancer; BREAST CANCER, FAMILIAL; hereditary breast carcinoma. Identifiers: Orphanet 227535, MedGen C0346153, MONDO:0016419, OMIM 114480. Disease mechanism: loss of function.

Submissions (2):

Labcorp Genetics (formerly Invitae), Labcorp
Classification: Likely benign for Familial cancer of breast; Fanconi anemia complementation group J. Last evaluated: 2025-11-17. Review status: criteria provided, single submitter. Criteria: Invitae Variant Classification Sherloc (09022015). Collection method: clinical testing. Allele origin: germline.

Myriad Genetics, Inc.
Classification: Likely benign for Familial cancer of breast. Last evaluated: 2024-08-22. Review status: criteria provided, single submitter. Criteria: Myriad Autosomal Dominant, Autosomal Recessive and X-Linked Classification Criteria (2023). Collection method: clinical testing. Allele origin: unknown.
Comment: This variant is considered likely benign. This variant is intronic and is not expected to impact mRNA splicing.

NM_032043.3(BRIP1):c.628-7C>T

Gene: BRIP1 (BRCA1 interacting DNA helicase 1; minus strand). Cytogenetic location: 17q23.2.
Variant type: single nucleotide variant.
Coding change: c.628-7C>T on transcript NM_032043.3 (MANE Select); 7 bases into the intron before coding-DNA position 628, C replaced by T.
Molecular consequence: intron variant.
Genome position (GRCh38, 1-based): chr17:61,808,764, G>A on the plus strand (C>T on the coding strand, the complement: BRIP1 is on the minus strand). VCF-style: chr17-61808764-G-A. GRCh37 (hg19) VCF-style: chr17-59886125-G-A.
Identifiers: ClinVar variation 1142216 (VCV001142216.11), dbSNP rs2145424156, ClinGen allele CA2499224810.
Genomic context (GRCh38, chr17:61,808,764, plus strand): 5'-TTGACTGTTTCCTTGTTTAGTAGAACAACAGCACCTAGAACAGTGGCCAGGGGGCTGTAA[G>A]AAAGGAAAGAAACGATAACTAATATCTAAACTACCATAAAAAACGTTATCAAACCTCACA-3'